The following is an entry in ClinVar:

ClinVar aggregate classification (germline): Uncertain significance (1 of 4 stars; one submission).

gnomAD v4.1: 23 of 1,602,518 alleles (0.0014%); highest among the groups gnomAD compares: African/African-American, 0.028%; no homozygotes.

Submission:

Labcorp Genetics (formerly Invitae), Labcorp
Classification: Uncertain significance. Last evaluated: 2024-09-28. Review status: criteria provided, single submitter. Criteria: Invitae Variant Classification Sherloc (09022015). Collection method: clinical testing. Allele origin: germline.
Comment: This sequence change replaces threonine, which is neutral and polar, with isoleucine, which is neutral and non-polar, at codon 853 of the TONSL protein (p.Thr853Ile). This variant is present in population databases (rs368930821, gnomAD 0.03%). This variant has not been reported in the literature in individuals affected with TONSL-related conditions. Invitae Evidence Modeling of protein sequence and biophysical properties (such as structural, functional, and spatial information, amino acid conservation, physicochemical variation, residue mobility, and thermodynamic stability) indicates that this missense variant is not expected to disrupt TONSL protein function with a negative predictive value of 80%. In summary, the available evidence is currently insufficient to determine the role of this variant in disease. Therefore, it has been classified as a Variant of Uncertain Significance.

NM_013432.5(TONSL):c.2558C>T (p.Thr853Ile)

Genes: TONSL (tonsoku like, DNA repair protein; minus strand), TONSL-AS1 (TONSL antisense RNA 1; plus strand). Cytogenetic location: 8q24.3.
Variant type: single nucleotide variant.
Coding change: c.2558C>T on transcript NM_013432.5 (MANE Select); coding-DNA position 2558, C replaced by T.
Protein change: p.Thr853Ile; replaces threonine 853 with isoleucine.
Molecular consequence: missense variant.
Genome position (GRCh38, 1-based): chr8:144,435,875, G>A on the plus strand (C>T on the coding strand, the complement: TONSL is on the minus strand). VCF-style: chr8-144435875-G-A. GRCh37 (hg19) VCF-style: chr8-145661258-G-A.
Other names: short protein forms T853I.
Identifiers: ClinVar variation 3719021 (VCV003719021.1).